The following is an entry in ClinVar:

NM_001354930.2(RIPK1):c.224T>G (p.Val75Gly)

Gene: RIPK1 (receptor interacting serine/threonine kinase 1; plus strand). Cytogenetic location: 6p25.2.
Variant type: single nucleotide variant.
Coding change: c.224T>G on transcript NM_001354930.2 (MANE Select); coding-DNA position 224, T replaced by G.
Protein change: p.Val75Gly; replaces valine 75 with glycine.
Molecular consequence: missense variant. On other transcripts: 5 prime UTR variant (4).
Genome position (GRCh38, 1-based): chr6:3,077,838, T>G. VCF-style: chr6-3077838-T-G. GRCh37 (hg19) VCF-style: chr6-3078072-T-G.
Other names: c.-380T>G (NM_001317061.3, NM_001354932.2, NM_001354933.2 and 1 more transcripts); c.224T>G, p.Val75Gly (NM_001354931.2, NM_003804.6); short protein forms V75G.
Identifiers: ClinVar variation 4735519 (VCV004735519.1).

ClinVar aggregate classification (germline): Uncertain significance (1 of 4 stars; one submission).

Submission:

Labcorp Genetics (formerly Invitae), Labcorp
Classification: Uncertain significance. Last evaluated: 2026-01-17. Review status: criteria provided, single submitter. Criteria: Invitae Variant Classification Sherloc (09022015). Collection method: clinical testing. Allele origin: germline.
Comment: This sequence change replaces valine, which is neutral and non-polar, with glycine, which is neutral and non-polar, at codon 75 of the RIPK1 protein (p.Val75Gly). This variant is not present in population databases (gnomAD no frequency). This variant has not been reported in the literature in individuals affected with RIPK1-related conditions. An algorithm developed to predict the effect of missense changes on protein structure and function (PolyPhen-2) suggests that this variant is likely to be disruptive. In summary, the available evidence is currently insufficient to determine the role of this variant in disease. Therefore, it has been classified as a Variant of Uncertain Significance.